The following is an entry in ClinVar:

ClinVar aggregate classification (germline): Uncertain significance (0 of 4 stars; one submission).

Conditions:
MADD-related disorder. Also called: MADD-Related Disorders; MADD-related condition.

gnomAD v4.1: 43 of 1,613,980 alleles (0.0027%); highest among the groups gnomAD compares: South Asian, 0.011%; no homozygotes.

Submission:

PreventionGenetics, part of Exact Sciences
Classification: Uncertain significance for MADD-related condition. Last evaluated: 2024-04-19. Review status: no assertion criteria provided. Collection method: clinical testing. Allele origin: germline.
Comment: The MADD c.3280C>T variant is predicted to result in the amino acid substitution p.Arg1094Trp. To our knowledge, this variant has not been reported in the literature. This variant is reported in 0.0065% of alleles in individuals of South Asian descent in gnomAD. At this time, the clinical significance of this variant is uncertain due to the absence of conclusive functional and genetic evidence.

NM_001376571.1(MADD):c.3280C>T (p.Arg1094Trp)

Gene: MADD (MAP kinase activating death domain; plus strand). Cytogenetic location: 11p11.2.
Variant type: single nucleotide variant.
Coding change: c.3280C>T on transcript NM_001376571.1 (MANE Select); coding-DNA position 3280, C replaced by T.
Protein change: p.Arg1094Trp; replaces arginine 1094 with tryptophan.
Molecular consequence: missense variant. On other transcripts: non-coding transcript variant (7).
Genome position (GRCh38, 1-based): chr11:47,290,735, C>T. VCF-style: chr11-47290735-C-T. GRCh37 (hg19) VCF-style: chr11-47312286-C-T.
Other names: c.2947C>T, p.Arg983Trp (NM_001376659.1, NM_001376646.1, NM_001376627.1 and 2 more transcripts); c.2887C>T, p.Arg963Trp (NM_001376660.1, NM_001376644.1, NM_001376647.1); c.3091C>T, p.Arg1031Trp (NM_001376661.1, NM_130472.3, NM_001135943.2 and 21 more transcripts); c.2650C>T, p.Arg884Trp (NM_001376662.1); c.2554C>T, p.Arg852Trp (NM_001376663.1); c.3280C>T, p.Arg1094Trp (NM_003682.4, NM_130473.3, NM_001376572.1 and 11 more transcripts); c.3220C>T, p.Arg1074Trp (NM_130470.3, NM_001376575.1, NM_001376576.1 and 12 more transcripts); c.3151C>T, p.Arg1051Trp (NM_130471.3, NM_001376581.1, NM_001376582.1 and 14 more transcripts); and 9 more; short protein forms R1006W, R1022W, R1026W, R1031W, R1040W, R1042W, R1043W, R1051W.
Identifiers: ClinVar variation 3356986 (VCV003356986.1).
Genomic context (GRCh38, chr11:47,290,735, plus strand): 5'-CTAGCTGGGCGGGGGGACCCAAAGGCTATGGCACAACTGAGAGTTCCACAACTGGGACCT[C>T]GGGCACCAAGTGCCACAGGAAAGGGTCCTAAGGAACTGGACACCAGAAGTTTAAAGGAAG-3'
Protein context (NP_001363500.1, residues 1084-1104): AQLRVPQLGP[Arg1094Trp]APSATGKGPK